The following is an entry in ClinVar:

ClinVar aggregate classification (germline): Pathogenic/Likely pathogenic. Review status: criteria provided, multiple submitters, no conflicts (2 of 4 stars). 2 submissions from 2 submitters: Pathogenic (1); Likely pathogenic (1). Last evaluated 2023-08-17.

Conditions:
Familial cancer of breast. Also called: Hereditary breast cancer; BREAST CANCER, FAMILIAL; hereditary breast carcinoma. Identifiers: Orphanet 227535, MedGen C0346153, MONDO:0016419, OMIM 114480. Disease mechanism: loss of function.

Submissions (2):

Institute of Human Genetics, University of Leipzig Medical Center
Classification: Likely pathogenic for Familial cancer of breast. Last evaluated: 2023-08-17. Review status: criteria provided, single submitter. Criteria: ACMG Guidelines, 2015. Collection method: clinical testing. Allele origin: unknown. Inheritance: Autosomal dominant inheritance. Affected: yes.
Comment: Criteria applied: PVS1,PM2_SUP

Myriad Genetics, Inc.
Classification: Pathogenic for Familial cancer of breast. Last evaluated: 2023-06-06. Review status: criteria provided, single submitter. Criteria: Myriad Autosomal Dominant, Autosomal Recessive and X-Linked Classification Criteria (2023). Collection method: clinical testing. Allele origin: unknown.
Comment: This variant is considered pathogenic. This variant creates a frameshift predicted to result in premature protein truncation.

NM_032043.3(BRIP1):c.2467del (p.Arg823fs)

Gene: BRIP1 (BRCA1 interacting DNA helicase 1; minus strand). Cytogenetic location: 17q23.2.
Variant type: Deletion.
Coding change: c.2467del on transcript NM_032043.3 (MANE Select); coding-DNA position 2467, one base deleted (A; older notation c.2467delA).
Protein change: p.Arg823fs; shifts the reading frame from arginine 823.
Molecular consequence: frameshift variant.
Genome position (GRCh38, 1-based): chr17:61,715,976, T deleted on the plus strand (A on the coding strand, the reverse complement: BRIP1 is on the minus strand). VCF-style (leftmost placement, unchanged base first): chr17-61715975-CT-C. GRCh37 (hg19) VCF-style: chr17-59793336-CT-C.
Other names: short protein forms R823fs.
Identifiers: ClinVar variation 2578441 (VCV002578441.4), dbSNP rs2544696416, ClinGen allele CA2580617689.